The following is an entry in ClinVar:

NM_004036.5(ADCY3):c.755G>A (p.Arg252His)

Gene: ADCY3 (adenylate cyclase 3; minus strand). Cytogenetic location: 2p23.3.
Variant type: single nucleotide variant.
Coding change: c.755G>A on transcript NM_004036.5 (MANE Select); coding-DNA position 755, G replaced by A.
Protein change: p.Arg252His; replaces arginine 252 with histidine.
Molecular consequence: missense variant.
Genome position (GRCh38, 1-based): chr2:24,872,640, C>T on the plus strand (G>A on the coding strand, the complement: ADCY3 is on the minus strand). VCF-style: chr2-24872640-C-T. GRCh37 (hg19) VCF-style: chr2-25095509-C-T.
Other names: c.755G>A, p.Arg252His (NM_001320613.2, NM_001377128.1, NM_001377129.1 and 2 more transcripts); c.32G>A, p.Arg11His (NM_001377131.1); short protein forms R11H, R252H.
Identifiers: ClinVar variation 3353874 (VCV003353874.2).

ClinVar aggregate classification (germline): Uncertain significance (1 of 4 stars; one submission).

Conditions:
ADCY3-related disorder. Also called: ADCY3-related condition.

gnomAD v4.1: 35 of 1,614,200 alleles (0.0022%); highest among the groups gnomAD compares: Middle Eastern, 0.016%; no homozygotes.

Submission:

PreventionGenetics, part of Exact Sciences
Classification: Uncertain significance for ADCY3-related condition. Last evaluated: 2026-07-09. Review status: criteria provided, single submitter. Criteria: ACMG Guidelines, 2015. Collection method: clinical testing. Allele origin: germline.
Comment: The ADCY3 c.755G>A variant is predicted to result in the amino acid substitution p.Arg252His. To our knowledge, this variant has not been reported in the literature. This variant is reported in 0.0062% of alleles in individuals of African descent in gnomAD. At this time, the clinical significance of this variant is uncertain due to the absence of conclusive functional and genetic evidence.